The following is an entry in ClinVar:

NM_000038.6(APC):c.8467A>C (p.Thr2823Pro)

Gene: APC (APC regulator of Wnt signaling pathway; plus strand). Cytogenetic location: 5q22.2.
Variant type: single nucleotide variant.
Coding change: c.8467A>C on transcript NM_000038.6 (MANE Select); coding-DNA position 8467, A replaced by C.
Protein change: p.Thr2823Pro; replaces threonine 2823 with proline.
Molecular consequence: missense variant.
Genome position (GRCh38, 1-based): chr5:112,844,061, A>C. VCF-style: chr5-112844061-A-C. GRCh37 (hg19) VCF-style: chr5-112179758-A-C.
Other names: c.8467A>C, p.Thr2823Pro (NM_001127510.3, NM_001354895.2); c.8413A>C, p.Thr2805Pro (NM_001127511.3); c.8521A>C, p.Thr2841Pro (NM_001354896.2); c.8497A>C, p.Thr2833Pro (NM_001354897.2); c.8392A>C, p.Thr2798Pro (NM_001354898.2); c.8383A>C, p.Thr2795Pro (NM_001354899.2); c.8344A>C, p.Thr2782Pro (NM_001354900.2); c.8290A>C, p.Thr2764Pro (NM_001354901.2); and 5 more; short protein forms T2805P, T2823P, T2697P, T2764P, T2722P, T2732P, T2782P, T2833P.
Identifiers: ClinVar variation 133516 (VCV000133516.16), dbSNP rs587778034, ClinGen allele CA015521.

ClinVar aggregate classification (germline): Uncertain significance. Review status: criteria provided, multiple submitters, no conflicts (2 of 4 stars). 4 submissions from 4 submitters: Uncertain significance (3). 1 of the submissions does not count toward it. Last evaluated 2024-04-10.

Conditions:
Familial adenomatous polyposis 1 (FAP1). Also called: FAMILIAL ADENOMATOUS POLYPOSIS 1, ATTENUATED; POLYPOSIS, ADENOMATOUS INTESTINAL. Identifiers: MedGen C2713442, MONDO:0021056, OMIM 175100. Disease mechanism: loss of function.
Hereditary cancer-predisposing syndrome. Also called: Tumor predisposition; Hereditary neoplastic syndrome; Neoplastic Syndromes, Hereditary; Hereditary Cancer Syndrome. Identifiers: Orphanet 140162, MedGen C0027672, MeSH D009386, MONDO:0015356.

Submissions (4):

Color Diagnostics, LLC DBA Color Health
Classification: Uncertain significance for Hereditary cancer-predisposing syndrome. Last evaluated: 2024-04-10. Review status: criteria provided, single submitter. Criteria: ACMG Guidelines, 2015. Collection method: clinical testing. Allele origin: germline.
Comment: This missense variant replaces threonine with proline at codon 2823 of the APC protein. Computational prediction suggests that this variant may not impact protein structure and function (internally defined REVEL score threshold <= 0.5, PMID: 27666373). To our knowledge, functional studies have not been reported for this variant. This variant has not been reported in individuals affected with APC-related disorders in the literature. This variant has not been identified in the general population by the Genome Aggregation Database (gnomAD). The available evidence is insufficient to determine the role of this variant in disease conclusively. Therefore, this variant is classified as a Variant of Uncertain Significance.

Ambry Genetics
Classification: Uncertain significance for Hereditary cancer-predisposing syndrome. Last evaluated: 2023-10-05. Review status: criteria provided, single submitter. Criteria: Ambry Variant Classification Scheme 2023. Collection method: clinical testing. Allele origin: germline.
Comment: The p.T2823P variant (also known as c.8467A>C), located in coding exon 15 of the APC gene, results from an A to C substitution at nucleotide position 8467. The threonine at codon 2823 is replaced by proline, an amino acid with highly similar properties. This amino acid position is well conserved in available vertebrate species. In addition, in silico predictors for this gene do not accurately predict pathogenicity. Since supporting evidence is limited at this time, the clinical significance of this alteration remains unclear.

Labcorp Genetics (formerly Invitae), Labcorp
Classification: Uncertain significance for Familial adenomatous polyposis 1. Last evaluated: 2023-05-25. Review status: criteria provided, single submitter. Criteria: Invitae Variant Classification Sherloc (09022015). Collection method: clinical testing. Allele origin: germline.
Comment: In summary, the available evidence is currently insufficient to determine the role of this variant in disease. Therefore, it has been classified as a Variant of Uncertain Significance. This sequence change replaces threonine, which is neutral and polar, with proline, which is neutral and non-polar, at codon 2823 of the APC protein (p.Thr2823Pro). This variant is not present in population databases (gnomAD no frequency). This variant has not been reported in the literature in individuals affected with APC-related conditions. ClinVar contains an entry for this variant (Variation ID: 133516). Advanced modeling of protein sequence and biophysical properties (such as structural, functional, and spatial information, amino acid conservation, physicochemical variation, residue mobility, and thermodynamic stability) performed at Invitae indicates that this missense variant is not expected to disrupt APC protein function.

ITMI
No classification provided. Condition: AllHighlyPenetrant. Last evaluated: 2013-09-19. Review status: no classification provided. Collection method: reference population. Allele origin: germline. Not counted in ClinVar's aggregate classification.
Comment: Please see associated publication for description of ethnicities

Literature cited by the submitters: PubMed 24728327 (cited by ITMI).